The following is an entry in ClinVar:

ClinVar aggregate classification (germline): Likely benign (1 of 4 stars; one submission).

gnomAD v4.1: 1 of 1,612,806 alleles (0.000062%); highest among the groups gnomAD compares: Non-Finnish European, 0.000085%; no homozygotes.

Submission:

CeGaT Center for Human Genetics Tuebingen
Classification: Likely benign. Last evaluated: 2026-10-01. Review status: criteria provided, single submitter. Criteria: CeGaT Center For Human Genetics Tuebingen Variant Classification Criteria Version 2. Collection method: clinical testing. Allele origin: germline. Affected: yes. Observed: 1 variant allele.
Comment: KMT2D: BP4, BP7

NM_003482.4(KMT2D):c.8754T>C (p.Pro2918=)

Gene: KMT2D (lysine methyltransferase 2D; minus strand). Cytogenetic location: 12q13.12.
Variant type: single nucleotide variant.
Coding change: c.8754T>C on transcript NM_003482.4 (MANE Select); coding-DNA position 8754, T replaced by C.
Protein change: p.Pro2918=; no amino-acid change (proline 2918 retained).
Molecular consequence: synonymous variant.
Genome position (GRCh38, 1-based): chr12:49,038,602, A>G on the plus strand (T>C on the coding strand, the complement: KMT2D is on the minus strand). VCF-style: chr12-49038602-A-G. GRCh37 (hg19) VCF-style: chr12-49432385-A-G.
Identifiers: ClinVar variation 5041790 (VCV005041790.1).
Genomic context (GRCh38, chr12:49,038,602, plus strand): 5'-CGGTGGGGCTGAGGGTTTCTGTGGGGGAAGACCTGATACCGCCAGGCCCCGAAGCCCTTC[A>G]GGAGCCAGTCGGTGGGGGTCCTCACTTACAGGGTAAAAACGGGGTCTCTGAGGTGGGCCC-3'
Protein context (NP_003473.3, residues 2908-2928): PVSEDPHRLA[Pro2918=]EGLRGLAVSG